The following is an entry in ClinVar:

NM_005026.5(PIK3CD):c.1633G>A (p.Ala545Thr)

Gene: PIK3CD (phosphatidylinositol-4,5-bisphosphate 3-kinase catalytic subunit delta; plus strand). Cytogenetic location: 1p36.22.
Variant type: single nucleotide variant.
Coding change: c.1633G>A on transcript NM_005026.5 (MANE Select); coding-DNA position 1633, G replaced by A.
Protein change: p.Ala545Thr; replaces alanine 545 with threonine.
Molecular consequence: missense variant.
Genome position (GRCh38, 1-based): chr1:9,720,853, G>A. VCF-style: chr1-9720853-G-A. GRCh37 (hg19) VCF-style: chr1-9780911-G-A.
Other names: c.1630G>A, p.Ala544Thr (NM_001350234.2); c.1546G>A, p.Ala516Thr (NM_001350235.1); short protein forms A516T, A545T, A544T.
Identifiers: ClinVar variation 3684421 (VCV003684421.2).

ClinVar aggregate classification (germline): Uncertain significance (1 of 4 stars; one submission).

Conditions:
Immunodeficiency 14 (IMD14A). Also called: IMMUNODEFICIENCY 14A WITH LYMPHOPROLIFERATION, AUTOSOMAL DOMINANT; p110-DELTA-ACTIVATING MUTATION CAUSING SENESCENT T CELLS, LYMPHADENOPATHY, AND IMMUNODEFICIENCY; ACTIVATED PI3K-DELTA SYNDROME 1; Activated PI3K Delta Syndrome Type 1 (APDS1). Identifiers: Orphanet 397596, Orphanet 693661, MedGen C5907821, MONDO:0014222, OMIM 615513.

gnomAD v4.1: 2 of 1,610,896 alleles (0.00012%); highest among the groups gnomAD compares: South Asian, 0.0011%; no homozygotes.

Submission:

Labcorp Genetics (formerly Invitae), Labcorp
Classification: Uncertain significance for Activated PI3K-delta syndrome. Last evaluated: 2024-08-12. Review status: criteria provided, single submitter. Criteria: Invitae Variant Classification Sherloc (09022015). Collection method: clinical testing. Allele origin: germline.
Comment: This sequence change replaces alanine, which is neutral and non-polar, with threonine, which is neutral and polar, at codon 545 of the PIK3CD protein (p.Ala545Thr). This variant is present in population databases (rs759640288, gnomAD 0.007%). This variant has not been reported in the literature in individuals affected with PIK3CD-related conditions. Advanced modeling of protein sequence and biophysical properties (such as structural, functional, and spatial information, amino acid conservation, physicochemical variation, residue mobility, and thermodynamic stability) performed at Invitae indicates that this missense variant is not expected to disrupt PIK3CD protein function with a negative predictive value of 80%. In summary, the available evidence is currently insufficient to determine the role of this variant in disease. Therefore, it has been classified as a Variant of Uncertain Significance.